The following is an entry in ClinVar:

ClinVar aggregate classification (germline): Benign. Review status: criteria provided, single submitter (1 of 4 stars). 2 submissions from 2 submitters: Benign (1). 1 of the submissions does not count toward it. Last evaluated 2025-11-15.

Conditions:
DNAH8-related disorder. Also called: DNAH8-related condition.
Primary ciliary dyskinesia. Also called: Ciliary dyskinesia. Identifiers: Orphanet 244, MedGen C0008780, MONDO:0016575, HP:0012265.

Allele frequency attached by ClinVar (database versions not stated): gnomAD exomes 0.00028 and 0.00010; gnomAD 0.00095 and 0.00104; TOPMed 0.00107; ESP Exome Variant Server 0.00138; 1000 Genomes Project 0.00140; 1000 Genomes Project 30x 0.00156; ExAC 0.00028.
gnomAD v4.1: 303 of 1,613,040 alleles (0.019%); highest among the groups gnomAD compares: African/African-American, 0.33%; 2 homozygotes.

Submissions (2):

Labcorp Genetics (formerly Invitae), Labcorp
Classification: Benign for Primary ciliary dyskinesia. Last evaluated: 2025-11-15. Review status: criteria provided, single submitter. Criteria: Invitae Variant Classification Sherloc (09022015). Collection method: clinical testing. Allele origin: germline.

PreventionGenetics, part of Exact Sciences
Classification: Likely benign for DNAH8-related condition. Last evaluated: 2019-09-25. Review status: no assertion criteria provided. Collection method: clinical testing. Allele origin: germline. Not counted in ClinVar's aggregate classification.
Comment: This variant is classified as likely benign based on ACMG/AMP sequence variant interpretation guidelines (Richards et al. 2015 PMID: 25741868, with internal and published modifications).

NM_001206927.2(DNAH8):c.8088A>G (p.Leu2696=)

Gene: DNAH8 (dynein axonemal heavy chain 8; plus strand). Cytogenetic location: 6p21.2.
Variant type: single nucleotide variant.
Coding change: c.8088A>G on transcript NM_001206927.2 (MANE Select); coding-DNA position 8088, A replaced by G.
Protein change: p.Leu2696=; no amino-acid change (leucine 2696 retained).
Molecular consequence: synonymous variant.
Genome position (GRCh38, 1-based): chr6:38,883,408, A>G. VCF-style: chr6-38883408-A-G. GRCh37 (hg19) VCF-style: chr6-38851184-A-G.
Other names: c.7437A>G, p.Leu2479= (NM_001371.4).
Identifiers: ClinVar variation 454598 (VCV000454598.14), dbSNP rs59600851, ClinGen allele CA3790089.
Genomic context (GRCh38, chr6:38,883,408, plus strand): 5'-AACTGCAAAAACTGTCATGGTTAAGGCCTATTTGAAAAAATATGATCCTGAAGTACAGCT[A>G]TCCAAAAGTCTAAACTTTTCATCTGCCACAGAACCAATGATGTTTCAGGTGAAATCCATC-3'
Protein context (NP_001193856.1, residues 2686-2706): YLKKYDPEVQ[Leu2696=]SKSLNFSSAT